The following is an entry in ClinVar:

ClinVar aggregate classification (germline): Uncertain significance (1 of 4 stars; one submission).

Allele frequency attached by ClinVar (database versions not stated): gnomAD exomes 0.00001.
gnomAD v4.1: 3 of 1,613,936 alleles (0.00019%); highest among the groups gnomAD compares: African/African-American, 0.0013%; no homozygotes.

Submission:

Labcorp Genetics (formerly Invitae), Labcorp
Classification: Uncertain significance. Last evaluated: 2022-04-29. Review status: criteria provided, single submitter. Criteria: Invitae Variant Classification Sherloc (09022015). Collection method: clinical testing. Allele origin: germline.
Comment: In summary, the available evidence is currently insufficient to determine the role of this variant in disease. Therefore, it has been classified as a Variant of Uncertain Significance. Algorithms developed to predict the effect of sequence changes on RNA splicing suggest that this variant may disrupt the consensus splice site. This variant has not been reported in the literature in individuals affected with LRP2-related conditions. This variant is not present in population databases (gnomAD no frequency). This sequence change affects codon 2093 of the LRP2 mRNA. It is a 'silent' change, meaning that it does not change the encoded amino acid sequence of the LRP2 protein. It affects a nucleotide within the consensus splice site.

NM_004525.3(LRP2):c.6279A>G (p.Gln2093=)

Gene: LRP2 (LDL receptor related protein 2; minus strand). Cytogenetic location: 2q31.1.
Variant type: single nucleotide variant.
Coding change: c.6279A>G on transcript NM_004525.3 (MANE Select); coding-DNA position 6279, A replaced by G.
Protein change: p.Gln2093=; no amino-acid change (glutamine 2093 retained).
Molecular consequence: synonymous variant.
Genome position (GRCh38, 1-based): chr2:169,211,969, T>C on the plus strand (A>G on the coding strand, the complement: LRP2 is on the minus strand). VCF-style: chr2-169211969-T-C. GRCh37 (hg19) VCF-style: chr2-170068479-T-C.
Identifiers: ClinVar variation 1951211 (VCV001951211.5), dbSNP rs1688609615, ClinGen allele CA429986713.